The following is an entry in ClinVar:

NM_018622.7(PARL):c.813A>G (p.Gly271=)

Gene: PARL (presenilin associated rhomboid like; minus strand). Cytogenetic location: 3q27.1.
Variant type: single nucleotide variant.
Coding change: c.813A>G on transcript NM_018622.7 (MANE Select); coding-DNA position 813, A replaced by G.
Protein change: p.Gly271=; no amino-acid change (glycine 271 retained).
Molecular consequence: synonymous variant. On other transcripts: non-coding transcript variant (1).
Genome position (GRCh38, 1-based): chr3:183,840,585, T>C on the plus strand (A>G on the coding strand, the complement: PARL is on the minus strand). VCF-style: chr3-183840585-T-C. GRCh37 (hg19) VCF-style: chr3-183558373-T-C.
Other names: c.663A>G, p.Gly221= (NM_001037639.3, NM_001324437.2); c.813A>G, p.Gly271= (NM_001324436.2, NM_001324438.2).
Identifiers: ClinVar variation 3342193 (VCV003342193.16).

ClinVar aggregate classification (germline): Uncertain significance (1 of 4 stars; one submission).

Submission:

CeGaT Center for Human Genetics Tuebingen
Classification: Uncertain significance. Last evaluated: 2024-08-01. Review status: criteria provided, single submitter. Criteria: CeGaT Center For Human Genetics Tuebingen Variant Classification Criteria Version 2. Collection method: clinical testing. Allele origin: germline. Affected: yes. Observed: 1 variant allele.
Comment: PARL: PM2:Supporting, BP4